The following is an entry in ClinVar:

NM_198253.3(TERT):c.1133G>A (p.Arg378Lys)

Gene: TERT (telomerase reverse transcriptase; minus strand). Cytogenetic location: 5p15.33.
Variant type: single nucleotide variant.
Coding change: c.1133G>A on transcript NM_198253.3 (MANE Select); coding-DNA position 1133, G replaced by A.
Protein change: p.Arg378Lys; replaces arginine 378 with lysine.
Molecular consequence: missense variant. On other transcripts: non-coding transcript variant (2).
Genome position (GRCh38, 1-based): chr5:1,293,753, C>T on the plus strand (G>A on the coding strand, the complement: TERT is on the minus strand). VCF-style: chr5-1293753-C-T. GRCh37 (hg19) VCF-style: chr5-1293868-C-T.
Other names: c.1133G>A, p.Arg378Lys (NM_001193376.3, NM_003219.1); short protein forms R378K.
Identifiers: ClinVar variation 2146174 (VCV002146174.4), dbSNP rs2478414218, ClinGen allele CA359055366.
Genomic context (GRCh38, chr5:1,293,753, plus strand): 5'-CCAAGCAGCTCCAGAAACAGGGGCCGCATTTGCCAGTAGCGCTGGGGCAGGCGGGGCAAC[C>T]TGCGGGGAGTCCCTGGCATCCAGGGCCTGGAACCCAGAAAGATGGTCTCCACGAGCCTCC-3'
Protein context (NP_937983.2, residues 368-388): SRPWMPGTPR[Arg378Lys]LPRLPQRYWQ

ClinVar aggregate classification (germline): Uncertain significance (1 of 4 stars; one submission).

Conditions:
Idiopathic Pulmonary Fibrosis. Also called: Idiopathic fibrosing alveolitis, chronic form; idiopathic fibrosing alveolitis. Identifiers: Orphanet 2032, MedGen C1800706, MeSH D054990, MONDO:0800504.
Dyskeratosis congenita, autosomal dominant 2. Identifiers: MedGen C3151443, MONDO:0013521, OMIM 613989.

Submission:

Labcorp Genetics (formerly Invitae), Labcorp
Classification: Uncertain significance for Dyskeratosis congenita, autosomal dominant 2; Idiopathic Pulmonary Fibrosis. Last evaluated: 2023-01-22. Review status: criteria provided, single submitter. Criteria: Invitae Variant Classification Sherloc (09022015). Collection method: clinical testing. Allele origin: germline.
Comment: In summary, the available evidence is currently insufficient to determine the role of this variant in disease. Therefore, it has been classified as a Variant of Uncertain Significance. Algorithms developed to predict the effect of missense changes on protein structure and function output the following: SIFT: "Tolerated"; PolyPhen-2: "Benign"; Align-GVGD: "Class C0". The lysine amino acid residue is found in multiple mammalian species, which suggests that this missense change does not adversely affect protein function. This variant has not been reported in the literature in individuals affected with TERT-related conditions. This variant is not present in population databases (gnomAD no frequency). This sequence change replaces arginine, which is basic and polar, with lysine, which is basic and polar, at codon 378 of the TERT protein (p.Arg378Lys).